The following is an entry in ClinVar:

NM_015102.5(NPHP4):c.4267G>A (p.Val1423Ile)

Gene: NPHP4 (nephrocystin 4; minus strand). Cytogenetic location: 1p36.31.
Variant type: single nucleotide variant.
Coding change: c.4267G>A on transcript NM_015102.5 (MANE Select); coding-DNA position 4267, G replaced by A.
Protein change: p.Val1423Ile; replaces valine 1423 with isoleucine.
Molecular consequence: missense variant. On other transcripts: non-coding transcript variant (1).
Genome position (GRCh38, 1-based): chr1:5,863,279, C>T on the plus strand (G>A on the coding strand, the complement: NPHP4 is on the minus strand). VCF-style: chr1-5863279-C-T. GRCh37 (hg19) VCF-style: chr1-5923339-C-T.
Other names: c.2728G>A, p.Val910Ile (NM_001291593.2); c.2731G>A, p.Val911Ile (NM_001291594.2); short protein forms V1423I, V911I, V910I.
Identifiers: ClinVar variation 843518 (VCV000843518.10), dbSNP rs1045851958, ClinGen allele CA17124455.
Genomic context (GRCh38, chr1:5,863,279, plus strand): 5'-ACAGGCCCCAGCTGGGTGCCGCAGGAAGGACGTCACCCTCAAGCCCTCACTGGTAGATGA[C>T]CTTCACGCAAAATGCCTCTTCGTTTTTGTCCTCATGGTCATTGATGTAGATCAGGATCTC-3'
Protein context (NP_055917.1, residues 1413-1426): DKNEEAFCVK[Val1423Ile]IYQ

ClinVar aggregate classification (germline): Uncertain significance. Review status: criteria provided, multiple submitters, no conflicts (2 of 4 stars). 2 submissions from 2 submitters: Uncertain significance (2). Last evaluated 2024-06-01.

Conditions:
Nephronophthisis. Also called: Juvenile Nephronophthisis. Identifiers: Orphanet 655, MedGen C0687120, MONDO:0019005, HP:0000090.
Nephronophthisis 4 (NPHP4). Also called: NEPHRONOPHTHISIS 4, JUVENILE. Identifiers: Orphanet 655, MedGen C1847013, MONDO:0011752, OMIM 606966.
Senior-Loken syndrome 4 (SLSN4). Identifiers: Orphanet 3156, MedGen C1846979, MONDO:0011756, OMIM 606996.

Allele frequency attached by ClinVar (database versions not stated): gnomAD exomes below 0.00001 and 0.00002; gnomAD 0.00001; TOPMed 0.00001.
gnomAD v4.1: 38 of 1,613,946 alleles (0.0024%); highest among the groups gnomAD compares: Non-Finnish European, 0.0029%; no homozygotes.

Submissions (2):

Fulgent Genetics
Classification: Uncertain significance for Nephronophthisis 4; Senior-Loken syndrome 4. Last evaluated: 2024-06-01. Review status: criteria provided, single submitter. Criteria: ACMG Guidelines, 2015. Collection method: clinical testing. Allele origin: germline.

Labcorp Genetics (formerly Invitae), Labcorp
Classification: Uncertain significance for Nephronophthisis. Last evaluated: 2021-02-22. Review status: criteria provided, single submitter. Criteria: Invitae Variant Classification Sherloc (09022015). Collection method: clinical testing. Allele origin: germline.
Comment: Algorithms developed to predict the effect of missense changes on protein structure and function are either unavailable or do not agree on the potential impact of this missense change (SIFT: "Tolerated"; PolyPhen-2: "Possibly Damaging"; Align-GVGD: "Class C0"). In summary, the available evidence is currently insufficient to determine the role of this variant in disease. Therefore, it has been classified as a Variant of Uncertain Significance. This variant has not been reported in the literature in individuals with NPHP4-related conditions. This variant is not present in population databases (ExAC no frequency). This sequence change replaces valine with isoleucine at codon 1423 of the NPHP4 protein (p.Val1423Ile). The valine residue is highly conserved and there is a small physicochemical difference between valine and isoleucine.